The following is an entry in ClinVar:

ClinVar aggregate classification (germline): Likely benign (1 of 4 stars; one submission).

Submission:

CeGaT Center for Human Genetics Tuebingen
Classification: Likely benign. Last evaluated: 2026-04-01. Review status: criteria provided, single submitter. Criteria: CeGaT Center For Human Genetics Tuebingen Variant Classification Criteria Version 2. Collection method: clinical testing. Allele origin: germline. Affected: yes. Observed: 1 variant allele.
Comment: KIRREL1: PM2:Supporting, BP4, BP7

NM_018240.7(KIRREL1):c.1800C>T (p.Asp600=)

Genes: KIRREL1 (kirre like nephrin family adhesion molecule 1; plus strand), LOC126805884 (BRD4-independent group 4 enhancer GRCh37_chr1:158063276-158064475; plus strand). Cytogenetic location: 1q23.1.
Variant type: single nucleotide variant.
Coding change: c.1800C>T on transcript NM_018240.7 (MANE Select); coding-DNA position 1800, C replaced by T.
Protein change: p.Asp600=; no amino-acid change (aspartic acid 600 retained).
Molecular consequence: synonymous variant.
Genome position (GRCh38, 1-based): chr1:158,094,646, C>T. VCF-style: chr1-158094646-C-T. GRCh37 (hg19) VCF-style: chr1-158064436-C-T.
Other names: c.1500C>T, p.Asp500= (NM_001286349.2).
Identifiers: ClinVar variation 4874773 (VCV004874773.2).